The following is an entry in ClinVar:

NM_001267550.2(TTN):c.39296-4A>G

Gene: TTN (titin; minus strand). Cytogenetic location: 2q31.2.
Variant type: single nucleotide variant.
Coding change: c.39296-4A>G on transcript NM_001267550.2 (MANE Select); 4 bases into the intron before coding-DNA position 39296, A replaced by G.
Molecular consequence: intron variant.
Genome position (GRCh38, 1-based): chr2:178,651,971, T>C on the plus strand (A>G on the coding strand, the complement: TTN is on the minus strand). VCF-style: chr2-178651971-T-C. GRCh37 (hg19) VCF-style: chr2-179516698-T-C.
Other names: c.13283-9654A>G (NM_003319.4); c.13859-9654A>G (NM_133437.4); c.13658-9654A>G (NM_133432.3); c.31994-4A>G (NM_133378.4); c.34775-4A>G (NM_001256850.1).
Identifiers: ClinVar variation 178823 (VCV000178823.13), dbSNP rs368641171, ClinGen allele CA183105.

ClinVar aggregate classification (germline): Likely benign. Review status: criteria provided, multiple submitters, no conflicts (2 of 4 stars). 2 submissions from 2 submitters: Likely benign (2). Last evaluated 2025-04-17.

Conditions:
Dilated cardiomyopathy 1G (CMD1G). Identifiers: Orphanet 154, MedGen C1858763, MONDO:0011400, OMIM 604145.
Autosomal recessive limb-girdle muscular dystrophy type 2J (LGMDR10). Also called: Limb-girdle muscular dystrophy, type 2J; MUSCULAR DYSTROPHY, LIMB-GIRDLE, AUTOSOMAL RECESSIVE 10. Identifiers: Orphanet 140922, MedGen C1837342, MONDO:0012127, OMIM 608807.

Allele frequency attached by ClinVar (database versions not stated): gnomAD exomes below 0.00001 and 0.00001; gnomAD 0.00001; TOPMed 0.00002; ExAC 0.00003; ESP Exome Variant Server 0.00008.
gnomAD v4.1: 8 of 1,610,798 alleles (0.0005%); highest among the groups gnomAD compares: African/African-American, 0.0013%; no homozygotes.

Submissions (2):

Labcorp Genetics (formerly Invitae), Labcorp
Classification: Likely benign for Dilated cardiomyopathy 1G; Autosomal recessive limb-girdle muscular dystrophy type 2J. Last evaluated: 2025-04-17. Review status: criteria provided, single submitter. Criteria: Invitae Variant Classification Sherloc (09022015). Collection method: clinical testing. Allele origin: germline.

Laboratory for Molecular Medicine, Mass General Brigham Personalized Medicine
Classification: Likely benign. Last evaluated: 2013-03-27. Review status: criteria provided, single submitter. Criteria: LMM Criteria. Collection method: clinical testing. Allele origin: germline. Observed: 1 variant allele.
Comment: 31994-4A>G in intron 158 of TTN: This variant is not expected to have clinical s ignificance because it is not located within the splice consensus sequence. It h as been identified in 1/8188 of European American chromosomes from a broad popul ation by the NHLBI Exome Sequencing Project. 31994-4A>G in intron 158 of TTN (allele frequency = 1/8188) **